The following is an entry in ClinVar:

NM_001376.5(DYNC1H1):c.6768del (p.Lys2257fs)

Gene: DYNC1H1 (dynein cytoplasmic 1 heavy chain 1; plus strand). Cytogenetic location: 14q32.31.
Variant type: Deletion.
Coding change: c.6768del on transcript NM_001376.5 (MANE Select); coding-DNA position 6768, one base deleted (C; older notation c.6768delC).
Protein change: p.Lys2257fs; shifts the reading frame from lysine 2257.
Molecular consequence: frameshift variant.
Genome position (GRCh38, 1-based): chr14:102,012,024, C deleted; the last of 4 consecutive C bases (chr14:102,012,021-102,012,024); deleting any one gives the same sequence. VCF-style (leftmost placement, unchanged base first): chr14-102012020-AC-A. GRCh37 (hg19) VCF-style: chr14-102478357-AC-A.
Other names: short protein forms K2257fs.
Identifiers: ClinVar variation 4732586 (VCV004732586.1).

ClinVar aggregate classification (germline): Uncertain significance (1 of 4 stars; one submission).

Conditions:
Charcot-Marie-Tooth disease axonal type 2O. Also called: CHARCOT-MARIE-TOOTH NEUROPATHY, AXONAL, TYPE 2O; CHARCOT-MARIE-TOOTH DISEASE, AXONAL, AUTOSOMAL DOMINANT, TYPE 2O; Charcot-Marie-Tooth Neuropathy Type 2O; Charcot-Marie-Tooth disease, axonal, type 20. Identifiers: Orphanet 284232, MedGen C3280220, MONDO:0013644, OMIM 614228.

Submission:

Labcorp Genetics (formerly Invitae), Labcorp
Classification: Uncertain significance for Charcot-Marie-Tooth disease axonal type 2O. Last evaluated: 2025-12-05. Review status: criteria provided, single submitter. Criteria: Invitae Variant Classification Sherloc (09022015). Collection method: clinical testing. Allele origin: germline.
Comment: This sequence change creates a premature translational stop signal (p.Lys2257Argfs*28) in the DYNC1H1 gene. It is expected to result in an absent or disrupted protein product. However, the current clinical and genetic evidence is not sufficient to establish whether loss-of-function variants in DYNC1H1 cause disease. This variant is not present in population databases (gnomAD no frequency). This variant has not been reported in the literature in individuals affected with DYNC1H1-related conditions. In summary, the available evidence is currently insufficient to determine the role of this variant in disease. Therefore, it has been classified as a Variant of Uncertain Significance.